The following is an entry in ClinVar:

NM_002067.5(GNA11):c.274C>T (p.Arg92Trp)

Gene: GNA11 (G protein subunit alpha 11; plus strand). Cytogenetic location: 19p13.3.
Variant type: single nucleotide variant.
Coding change: c.274C>T on transcript NM_002067.5 (MANE Select); coding-DNA position 274, C replaced by T.
Protein change: p.Arg92Trp; replaces arginine 92 with tryptophan.
Molecular consequence: missense variant.
Genome position (GRCh38, 1-based): chr19:3,110,286, C>T. VCF-style: chr19-3110286-C-T. GRCh37 (hg19) VCF-style: chr19-3110284-C-T.
Other names: short protein forms R92W.
Identifiers: ClinVar variation 1378442 (VCV001378442.8), dbSNP rs753693838, ClinGen allele CA9074774.
Genomic context (GRCh38, chr19:3,110,286, plus strand): 5'-AAGCGCGGCTTCACCAAGCTCGTCTACCAGAACATCTTCACCGCCATGCAGGCCATGATC[C>T]GGGCCATGGAGACGCTCAAGATCCTCTACAAGTACGAGCAGAACAAGGTGAGCCCGCGGG-3'
Protein context (NP_002058.2, residues 82-102): NIFTAMQAMI[Arg92Trp]AMETLKILYK

ClinVar aggregate classification (germline): Uncertain significance (1 of 4 stars; one submission).

Allele frequency attached by ClinVar (database versions not stated): TOPMed below 0.00001; ExAC 0.00002; gnomAD exomes 0.00002.

Submission:

Labcorp Genetics (formerly Invitae), Labcorp
Classification: Uncertain significance. Last evaluated: 2022-09-22. Review status: criteria provided, single submitter. Criteria: Invitae Variant Classification Sherloc (09022015). Collection method: clinical testing. Allele origin: germline.
Comment: ClinVar contains an entry for this variant (Variation ID: 1378442). In summary, the available evidence is currently insufficient to determine the role of this variant in disease. Therefore, it has been classified as a Variant of Uncertain Significance. Advanced modeling of protein sequence and biophysical properties (such as structural, functional, and spatial information, amino acid conservation, physicochemical variation, residue mobility, and thermodynamic stability) performed at Invitae indicates that this missense variant is not expected to disrupt GNA11 protein function. This variant has not been reported in the literature in individuals affected with GNA11-related conditions. This variant is present in population databases (rs753693838, gnomAD 0.007%). This sequence change replaces arginine, which is basic and polar, with tryptophan, which is neutral and slightly polar, at codon 92 of the GNA11 protein (p.Arg92Trp).